The following is an entry in ClinVar:

ClinVar aggregate classification (germline): Benign/Likely benign. Review status: criteria provided, multiple submitters, no conflicts (2 of 4 stars). 4 submissions from 4 submitters: Benign (2); Likely benign (2). Last evaluated 2025-05-28.

Conditions:
Hereditary cancer-predisposing syndrome. Also called: Tumor predisposition; Hereditary neoplastic syndrome; Neoplastic Syndromes, Hereditary; Hereditary Cancer Syndrome. Identifiers: Orphanet 140162, MedGen C0027672, MeSH D009386, MONDO:0015356.
Tuberous sclerosis 2 (TSC2). Identifiers: Orphanet 805, MedGen C1860707, MONDO:0013199, OMIM 613254.

Allele frequency attached by ClinVar (database versions not stated): gnomAD exomes below 0.00001 and 0.00001.
gnomAD v4.1: 2 of 1,613,080 alleles (0.00012%); highest among the groups gnomAD compares: Non-Finnish European, 0.00017%; no homozygotes.

Submissions (4):

Myriad Genetics, Inc.
Classification: Benign for Tuberous sclerosis 2. Last evaluated: 2025-05-28. Review status: criteria provided, single submitter. Criteria: Myriad Autosomal Dominant, Autosomal Recessive and X-Linked Classification Criteria (2023). Collection method: clinical testing. Allele origin: unknown.
Comment: This variant is considered benign. This variant is a silent/synonymous amino acid change and it is not expected to impact splicing.

Labcorp Genetics (formerly Invitae), Labcorp
Classification: Benign for Tuberous sclerosis 2. Last evaluated: 2024-10-03. Review status: criteria provided, single submitter. Criteria: Invitae Variant Classification Sherloc (09022015). Collection method: clinical testing. Allele origin: germline.

CeGaT Center for Human Genetics Tuebingen
Classification: Likely benign. Last evaluated: 2023-01-01. Review status: criteria provided, single submitter. Criteria: CeGaT Center For Human Genetics Tuebingen Variant Classification Criteria Version 2. Collection method: clinical testing. Allele origin: germline. Affected: yes. Observed: 1 variant allele.
Comment: TSC2: BP4, BP7

Ambry Genetics
Classification: Likely benign for Hereditary cancer-predisposing syndrome. Last evaluated: 2021-08-13. Review status: criteria provided, single submitter. Criteria: Ambry Variant Classification Scheme 2023. Collection method: clinical testing. Allele origin: germline.

NM_000548.5(TSC2):c.3165C>T (p.Gly1055=)

Gene: TSC2 (TSC complex subunit 2; plus strand). Cytogenetic location: 16p13.3.
Variant type: single nucleotide variant.
Coding change: c.3165C>T on transcript NM_000548.5 (MANE Select); coding-DNA position 3165, C replaced by T.
Protein change: p.Gly1055=; no amino-acid change (glycine 1055 retained).
Molecular consequence: synonymous variant.
Genome position (GRCh38, 1-based): chr16:2,079,309, C>T. VCF-style: chr16-2079309-C-T. GRCh37 (hg19) VCF-style: chr16-2129310-C-T.
Other names: c.3033C>T, p.Gly1011= (NM_001077183.3, NM_001370404.1); c.3165C>T, p.Gly1055= (NM_001114382.3); c.2925C>T, p.Gly975= (NM_001318827.2); c.2889C>T, p.Gly963= (NM_001318829.2); c.2433C>T, p.Gly811= (NM_001318831.2); c.3066C>T, p.Gly1022= (NM_001318832.2); c.3036C>T, p.Gly1012= (NM_001363528.2, NM_001370405.1, NM_021055.3).
Identifiers: ClinVar variation 1053402 (VCV001053402.36), dbSNP rs1215210783, ClinGen allele CA493042844.